The following is an entry in ClinVar:

NM_001267550.2(TTN):c.76865G>A (p.Trp25622Ter)

Genes: TTN-AS1 (TTN antisense RNA 1; plus strand), TTN (titin; minus strand). Cytogenetic location: 2q31.2.
Variant type: single nucleotide variant.
Coding change: c.76865G>A on transcript NM_001267550.2 (MANE Select); coding-DNA position 76865, G replaced by A.
Protein change: p.Trp25622Ter; replaces tryptophan 25622 with a stop codon.
Molecular consequence: nonsense.
Genome position (GRCh38, 1-based): chr2:178,569,267, C>T on the plus strand (G>A on the coding strand, the complement: TTN is on the minus strand). VCF-style: chr2-178569267-C-T. GRCh37 (hg19) VCF-style: chr2-179433994-C-T.
Other names: c.71942G>A, p.Trp23981Ter (NM_001256850.1); c.49670G>A, p.Trp16557Ter (NM_003319.4); c.69161G>A, p.Trp23054Ter (NM_133378.4); c.50045G>A, p.Trp16682Ter (NM_133432.3); c.50246G>A, p.Trp16749Ter (NM_133437.4); c.76865G>A (NM_001267550.1); short protein forms W23981*, W25622*, W16557*, W23054*, W16749*, W16682*.
Identifiers: ClinVar variation 379555 (VCV000379555.12), dbSNP rs756552975, ClinGen allele CA16604111.

ClinVar aggregate classification (germline): Likely pathogenic. Review status: criteria provided, multiple submitters, no conflicts (2 of 4 stars). 2 submissions from 2 submitters: Likely pathogenic (2). Last evaluated 2025-11-03.

Conditions:
Dilated cardiomyopathy 1G (CMD1G). Identifiers: Orphanet 154, MedGen C1858763, MONDO:0011400, OMIM 604145.
Autosomal recessive limb-girdle muscular dystrophy type 2J (LGMDR10). Also called: Limb-girdle muscular dystrophy, type 2J; MUSCULAR DYSTROPHY, LIMB-GIRDLE, AUTOSOMAL RECESSIVE 10. Identifiers: Orphanet 140922, MedGen C1837342, MONDO:0012127, OMIM 608807.

Allele frequency attached by ClinVar (database versions not stated): gnomAD exomes below 0.00001.
gnomAD v4.1: 4 of 1,606,034 alleles (0.00025%); highest among the groups gnomAD compares: Non-Finnish European, 0.00034%; no homozygotes.

Submissions (2):

Labcorp Genetics (formerly Invitae), Labcorp
Classification: Likely pathogenic for Dilated cardiomyopathy 1G; Autosomal recessive limb-girdle muscular dystrophy type 2J. Last evaluated: 2025-11-03. Review status: criteria provided, single submitter. Criteria: Invitae Variant Classification Sherloc (09022015). Collection method: clinical testing. Allele origin: germline.
Comment: This sequence change creates a premature translational stop signal (p.Trp25622*) in the TTN gene. While this is not anticipated to result in nonsense mediated decay, it is expected to create a truncated TTN protein. This variant is present in population databases (rs756552975, gnomAD 0.0009%). This premature translational stop signal has been observed in individual(s) with dilated cardiomyopathy (PMID: 27532257, 37652022; internal data). ClinVar contains an entry for this variant (Variation ID: 379555). This variant is located in the A band of TTN (PMID: 25589632). Truncating variants in this region are significantly overrepresented in patients affected with dilated cardiomyopathy (PMID: 25589632). Truncating variants in this region have also been reported in individuals affected with autosomal recessive centronuclear myopathy (PMID: 23975875). In summary, the currently available evidence indicates that the variant is pathogenic, but additional data are needed to prove that conclusively. Therefore, this variant has been classified as Likely Pathogenic.

GeneDx
Classification: Likely pathogenic. Last evaluated: 2023-06-08. Review status: criteria provided, single submitter. Criteria: GeneDx Variant Classification Process June 2021. Collection method: clinical testing. Allele origin: germline. Affected: yes.
Comment: Reported in an individual from a dilated cardiomyopathy patient cohort, however it is unclear if this individual may have harbored other variants contributing to the phenotype (Walsh et al., 2017).; Nonsense variant predicted to result in protein truncation or nonsense mediated decay in a gene for which loss of function is a known mechanism of disease; Not observed at significant frequency in large population cohorts (gnomAD); Located in the A-band region of TTN in which the majority of loss of function variants have been associated with autosomal dominant titinopathies (Herman et al., 2012); This variant is associated with the following publications: (PMID: 22335739, 27532257, 35177841)

Literature cited by the submitters: PubMed 27532257 (cited by Labcorp Genetics (formerly Invitae), Labcorp); PubMed 37652022 (cited by Labcorp Genetics (formerly Invitae), Labcorp); PubMed 25589632 (cited by Labcorp Genetics (formerly Invitae), Labcorp); PubMed 23975875 (cited by Labcorp Genetics (formerly Invitae), Labcorp).